The following is an entry in ClinVar:

ClinVar aggregate classification (germline): Uncertain significance (1 of 4 stars; one submission).

Conditions:
Epidermolysis bullosa simplex 5B, with muscular dystrophy (EBS5B). Also called: EPIDERMOLYSIS BULLOSA SIMPLEX AND LIMB-GIRDLE MUSCULAR DYSTROPHY; Epidermolysis bullosa simplex with muscular dystrophy. Identifiers: Orphanet 257, MedGen C2931072, MONDO:0009181, OMIM 226670.
Epidermolysis bullosa simplex 5C, with pyloric atresia (EBS5C). Also called: Epidermolysis bullosa simplex with pyloric atresia; PLEC-Related Epidermolysis Bullosa with Pyloric Atresia; PLEC1-Related Epidermolysis Bullosa with Pyloric Atresia. Identifiers: Orphanet 158684, MedGen C2677349, MONDO:0012807, OMIM 612138.
Autosomal recessive limb-girdle muscular dystrophy type 2Q (LGMDR17). Also called: MUSCULAR DYSTROPHY, LIMB-GIRDLE, AUTOSOMAL RECESSIVE 17. Identifiers: Orphanet 254361, MedGen C3150989, MONDO:0013390, OMIM 613723.
Epidermolysis bullosa simplex with nail dystrophy (EBS5D). Identifiers: MedGen C4225309, MONDO:0014661, OMIM 616487.
Epidermolysis bullosa simplex, Ogna type (EBS5A). Also called: Pidermolysis bullosa simplex 5A, Ogna type; EPIDERMOLYSIS BULLOSA SIMPLEX 5A, OGNA TYPE. Identifiers: Orphanet 79401, MedGen C0432317, MONDO:0007555, OMIM 131950.

Allele frequency attached by ClinVar (database versions not stated): TOPMed 0.00002.
gnomAD v4.1: 9 of 1,600,514 alleles (0.00056%); highest among the groups gnomAD compares: African/African-American, 0.004%; no homozygotes.

Submission:

Labcorp Genetics (formerly Invitae), Labcorp
Classification: Uncertain significance for Autosomal recessive limb-girdle muscular dystrophy type 2Q; Epidermolysis bullosa simplex, Ogna type; Epidermolysis bullosa simplex with nail dystrophy; Epidermolysis bullosa simplex 5C, with pyloric atresia; Epidermolysis bullosa simplex 5B, with muscular dystrophy. Last evaluated: 2022-02-04. Review status: criteria provided, single submitter. Criteria: Invitae Variant Classification Sherloc (09022015). Collection method: clinical testing. Allele origin: germline.
Comment: This sequence change replaces glutamic acid, which is acidic and polar, with glutamine, which is neutral and polar, at codon 2670 of the PLEC protein (p.Glu2670Gln). In summary, the available evidence is currently insufficient to determine the role of this variant in disease. Therefore, it has been classified as a Variant of Uncertain Significance. Algorithms developed to predict the effect of missense changes on protein structure and function output the following: SIFT: "Tolerated"; PolyPhen-2: "Benign"; Align-GVGD: "Class C0". The glutamine amino acid residue is found in multiple mammalian species, which suggests that this missense change does not adversely affect protein function. ClinVar contains an entry for this variant (Variation ID: 1043040). This variant has not been reported in the literature in individuals affected with PLEC-related conditions. This variant is present in population databases (no rsID available, gnomAD 0.01%).

NM_201384.3(PLEC):c.7927G>C (p.Glu2643Gln)

Gene: PLEC (plectin; minus strand). Cytogenetic location: 8q24.3.
Variant type: single nucleotide variant.
Coding change: c.7927G>C on transcript NM_201384.3 (MANE Select); coding-DNA position 7927, G replaced by C.
Protein change: p.Glu2643Gln; replaces glutamic acid 2643 with glutamine.
Molecular consequence: missense variant.
Genome position (GRCh38, 1-based): chr8:143,921,894, C>G on the plus strand (G>C on the coding strand, the complement: PLEC is on the minus strand). VCF-style: chr8-143921894-C-G. GRCh37 (hg19) VCF-style: chr8-144996062-C-G.
Other names: c.8008G>C, p.Glu2670Gln (NM_000445.5); c.7885G>C, p.Glu2629Gln (NM_201378.4); c.7861G>C, p.Glu2621Gln (NM_201379.3); c.8338G>C, p.Glu2780Gln (NM_201380.4); c.7831G>C, p.Glu2611Gln (NM_201381.3); c.7927G>C, p.Glu2643Gln (NM_201382.4); c.7939G>C, p.Glu2647Gln (NM_201383.3); short protein forms E2643Q, E2621Q, E2670Q, E2611Q, E2629Q, E2647Q, E2780Q.
Identifiers: ClinVar variation 1043040 (VCV001043040.5), dbSNP rs782555020, ClinGen allele CA372521030.